The following is an entry in ClinVar:

NM_004519.4(KCNQ3):c.477+5G>T

Gene: KCNQ3 (potassium voltage-gated channel subfamily Q member 3; minus strand). Cytogenetic location: 8q24.22.
Variant type: single nucleotide variant.
Coding change: c.477+5G>T on transcript NM_004519.4 (MANE Select); 5 bases into the intron after coding-DNA position 477, G replaced by T.
Molecular consequence: intron variant.
Genome position (GRCh38, 1-based): chr8:132,186,086, C>A on the plus strand (G>T on the coding strand, the complement: KCNQ3 is on the minus strand). VCF-style: chr8-132186086-C-A. GRCh37 (hg19) VCF-style: chr8-133198333-C-A.
Other names: c.117+5G>T (NM_001204824.2).
Identifiers: ClinVar variation 1425849 (VCV001425849.6), dbSNP rs373813381, ClinGen allele CA4880922.

ClinVar aggregate classification (germline): Uncertain significance (1 of 4 stars; one submission).

Conditions:
Benign neonatal seizures. Also called: Benign neonatal familial convulsions; Benign familial neonatal seizures; Convulsions benign familial neonatal dominant form; Autosomal dominant form of benign neonatal seizures; Benign familial neonatal epilepsy. Identifiers: Orphanet 1949, MedGen C0220669, MONDO:0016027.

Allele frequency attached by ClinVar (database versions not stated): gnomAD exomes below 0.00001; ExAC 0.00002; gnomAD 0.00002; TOPMed 0.00002; ESP Exome Variant Server 0.00015.
gnomAD v4.1: 3 of 1,609,108 alleles (0.00019%); highest among the groups gnomAD compares: African/African-American, 0.0027%; no homozygotes.

Submission:

Labcorp Genetics (formerly Invitae), Labcorp
Classification: Uncertain significance for Benign neonatal seizures. Last evaluated: 2024-06-28. Review status: criteria provided, single submitter. Criteria: Invitae Variant Classification Sherloc (09022015). Collection method: clinical testing. Allele origin: germline.
Comment: This sequence change falls in intron 2 of the KCNQ3 gene. It does not directly change the encoded amino acid sequence of the KCNQ3 protein. It affects a nucleotide within the consensus splice site. This variant is present in population databases (rs373813381, gnomAD 0.003%). This variant has not been reported in the literature in individuals affected with KCNQ3-related conditions. ClinVar contains an entry for this variant (Variation ID: 1425849). Variants that disrupt the consensus splice site are a relatively common cause of aberrant splicing (PMID: 17576681, 9536098). Algorithms developed to predict the effect of sequence changes on RNA splicing suggest that this variant is not likely to affect RNA splicing. In summary, the available evidence is currently insufficient to determine the role of this variant in disease. Therefore, it has been classified as a Variant of Uncertain Significance.

Literature cited by the submitters: PubMed 17576681; PubMed 9536098.